The following is an entry in ClinVar:

ClinVar aggregate classification (germline): Uncertain significance. Review status: criteria provided, multiple submitters, no conflicts (2 of 4 stars). 2 submissions from 2 submitters: Uncertain significance (2). Last evaluated 2022-05-11.

Conditions:
Inborn genetic diseases. Identifiers: MedGen C0950123, MeSH D030342.

Allele frequency attached by ClinVar (database versions not stated): gnomAD exomes below 0.00001 and 0.00001; ExAC 0.00001; gnomAD 0.00001.
gnomAD v4.1: 3 of 1,613,984 alleles (0.00019%); highest among the groups gnomAD compares: Admixed American, 0.0033%; no homozygotes.

Submissions (2):

Ambry Genetics
Classification: Uncertain significance for Inborn genetic diseases. Last evaluated: 2022-05-11. Review status: criteria provided, single submitter. Criteria: Ambry Variant Classification Scheme 2023. Collection method: clinical testing. Allele origin: germline.

Laboratorio de Genetica e Diagnostico Molecular, Hospital Israelita Albert Einstein
Classification: Uncertain significance. Last evaluated: 2020-08-30. Review status: criteria provided, single submitter. Criteria: ACMG Guidelines, 2015. Collection method: clinical testing. Allele origin: germline. Affected: yes.
Comment: ACMG classification criteria: PM2, BP4

NM_001042681.2(RERE):c.1648G>A (p.Asp550Asn)

Gene: RERE (arginine-glutamic acid dipeptide repeats; minus strand). Cytogenetic location: 1p36.23.
Variant type: single nucleotide variant.
Coding change: c.1648G>A on transcript NM_001042681.2 (MANE Select); coding-DNA position 1648, G replaced by A.
Protein change: p.Asp550Asn; replaces aspartic acid 550 with asparagine.
Molecular consequence: missense variant. On other transcripts: 5 prime UTR variant (1).
Genome position (GRCh38, 1-based): chr1:8,364,148, C>T on the plus strand (G>A on the coding strand, the complement: RERE is on the minus strand). VCF-style: chr1-8364148-C-T. GRCh37 (hg19) VCF-style: chr1-8424208-C-T.
Other names: c.-15G>A (NM_001042682.2); c.1648G>A, p.Asp550Asn (NM_012102.4); c.1648G>A (NM_012102.3); short protein forms D550N.
Identifiers: ClinVar variation 1690937 (VCV001690937.5), dbSNP rs770580574, ClinGen allele CA571629.